The following is an entry in ClinVar:

ClinVar aggregate classification (germline): Uncertain significance. Review status: criteria provided, single submitter (1 of 4 stars). 2 submissions from 2 submitters: Uncertain significance (1). 1 of the submissions does not count toward it. Last evaluated 2026-01-15.

Allele frequency attached by ClinVar (database versions not stated): gnomAD exomes 0.00003 and 0.00001; ESP Exome Variant Server 0.00008; gnomAD 0.00002; TOPMed 0.00002; ExAC 0.00001.
gnomAD v4.1: 53 of 1,614,068 alleles (0.0033%); highest among the groups gnomAD compares: Non-Finnish European, 0.0042%; no homozygotes.

Submissions (2):

Women's Health and Genetics/Laboratory Corporation of America, LabCorp
Classification: Uncertain significance. Last evaluated: 2026-01-15. Review status: criteria provided, single submitter. Criteria: LabCorp Variant Classification Summary - May 2015. Collection method: clinical testing. Allele origin: germline.
Comment: Variant summary: ARID2 c.4223A>G (p.Lys1408Arg) results in a conservative amino acid change in the encoded protein sequence. Algorithms developed to predict the effect of missense changes on protein structure and function are either unavailable or do not agree on the potential impact of this missense change. The variant allele was found at a frequency of 8e-06 in 250608 control chromosomes. The available data on variant occurrences in the general population are insufficient to allow any conclusion about variant significance. To our knowledge, no occurrence of c.4223A>G in individuals affected with ARID2-related conditions and no experimental evidence demonstrating its impact on protein function have been reported. ClinVar contains an entry for this variant (Variation ID: 133563). Based on the evidence outlined above, the variant was classified as uncertain significance.

ITMI
No classification provided. Condition: AllHighlyPenetrant. Last evaluated: 2013-09-19. Review status: no classification provided. Collection method: reference population. Allele origin: germline. Not counted in ClinVar's aggregate classification.
Comment: Please see associated publication for description of ethnicities

Literature cited by the submitters: PubMed 24728327 (cited by ITMI).

NM_152641.4(ARID2):c.4223A>G (p.Lys1408Arg)

Gene: ARID2 (AT-rich interaction domain 2; plus strand). Cytogenetic location: 12q12.
Variant type: single nucleotide variant.
Coding change: c.4223A>G on transcript NM_152641.4 (MANE Select); coding-DNA position 4223, A replaced by G.
Protein change: p.Lys1408Arg; replaces lysine 1408 with arginine.
Molecular consequence: missense variant.
Genome position (GRCh38, 1-based): chr12:45,852,346, A>G. VCF-style: chr12-45852346-A-G. GRCh37 (hg19) VCF-style: chr12-46246129-A-G.
Other names: c.4223A>G, p.Lys1408Arg (NM_001347839.2); short protein forms K1408R.
Identifiers: ClinVar variation 133563 (VCV000133563.2), dbSNP rs374602869, ClinGen allele CA156954.